The following is an entry in ClinVar:

NM_001122764.3(PPOX):c.-151G>T

Gene: PPOX (protoporphyrinogen oxidase; plus strand). Cytogenetic location: 1q23.3.
Variant type: single nucleotide variant.
Coding change: c.-151G>T on transcript NM_001122764.3 (MANE Select); 151 bases upstream of the start codon, G replaced by T.
Molecular consequence: 5 prime UTR variant.
Genome position (GRCh38, 1-based): chr1:161,166,530, G>T. VCF-style: chr1-161166530-G-T. GRCh37 (hg19) VCF-style: chr1-161136320-G-T.
Other names: c.-90G>T (NM_000309.5); c.-151G>T (NM_001350128.2, NM_001365399.1); c.-578G>T (NM_001350129.2); c.-669G>T (NM_001350130.2); c.-494G>T (NM_001350131.2); c.-401G>T (NM_001365400.1); c.-460G>T (NM_001365401.1).
Identifiers: ClinVar variation 293242 (VCV000293242.6), dbSNP rs115158839, ClinGen allele CA10608495.

ClinVar aggregate classification (germline): Likely benign. Review status: criteria provided, multiple submitters, no conflicts (2 of 4 stars). 2 submissions from 2 submitters: Likely benign (2). Last evaluated 2018-01-13.

Conditions:
Variegate porphyria (VP). Also called: PORPHYRIA, SOUTH AFRICAN TYPE; PROTOPORPHYRINOGEN OXIDASE DEFICIENCY; PPOX DEFICIENCY. Identifiers: Orphanet 79473, MedGen C0162532, MONDO:0008297, OMIM 176200.

Allele frequency attached by ClinVar (database versions not stated): 1000 Genomes Project 30x 0.00375; 1000 Genomes Project 0.00419; TOPMed 0.01183; gnomAD 0.01505 and 0.01570.
gnomAD v4.1: 25,351 of 1,363,058 alleles (1.9%); highest among the groups gnomAD compares: Non-Finnish European, 2.1%; 279 homozygotes.

Submissions (2):

Illumina Laboratory Services, Illumina
Classification: Likely benign for Variegate porphyria. Last evaluated: 2018-01-13. Review status: criteria provided, single submitter. Criteria: ICSL Variant Classification Criteria 13 December 2019. Collection method: clinical testing. Allele origin: germline.
Comment: This variant was observed in the ICSL laboratory as part of a predisposition screen in an ostensibly healthy population. It had not been previously curated by ICSL or reported in the Human Gene Mutation Database (HGMD: prior to June 1st, 2018), and was therefore a candidate for classification through an automated scoring system. Utilizing variant allele frequency, disease prevalence and penetrance estimates, and inheritance mode, an automated score was calculated to assess if this variant is too frequent to cause the disease. Based on the score and internal cut-off values, a variant classified as likely benign is not then subjected to further curation. The score for this variant resulted in a classification of likely benign for this disease.

Breakthrough Genomics
Classification: Likely benign. Review status: criteria provided, single submitter. Criteria: ACMG Guidelines, 2015. Collection method: not provided. Allele origin: germline. Inheritance: Autosomal dominant inheritance. Affected: yes.